The following is an entry in ClinVar:

ClinVar aggregate classification (germline): Uncertain significance. Review status: criteria provided, multiple submitters, no conflicts (2 of 4 stars). 2 submissions from 2 submitters: Uncertain significance (2). Last evaluated 2024-02-17.

Conditions:
LAMA2-related muscular dystrophy (LAMA2-RD). Also called: Laminin alpha 2-related dystrophy. Identifiers: MedGen C5679788, MONDO:0100228.

Submissions (2):

Labcorp Genetics (formerly Invitae), Labcorp
Classification: Uncertain significance for LAMA2-related muscular dystrophy. Last evaluated: 2024-02-17. Review status: criteria provided, single submitter. Criteria: Invitae Variant Classification Sherloc (09022015). Collection method: clinical testing. Allele origin: germline.
Comment: This sequence change replaces methionine, which is neutral and non-polar, with valine, which is neutral and non-polar, at codon 1291 of the LAMA2 protein (p.Met1291Val). This variant is present in population databases (rs780806324, gnomAD no frequency). This variant has not been reported in the literature in individuals affected with LAMA2-related conditions. ClinVar contains an entry for this variant (Variation ID: 1676372). Advanced modeling of protein sequence and biophysical properties (such as structural, functional, and spatial information, amino acid conservation, physicochemical variation, residue mobility, and thermodynamic stability) performed at Invitae indicates that this missense variant is not expected to disrupt LAMA2 protein function with a negative predictive value of 95%. In summary, the available evidence is currently insufficient to determine the role of this variant in disease. Therefore, it has been classified as a Variant of Uncertain Significance.

GeneDx
Classification: Uncertain significance. Last evaluated: 2022-03-24. Review status: criteria provided, single submitter. Criteria: GeneDx Variant Classification Process June 2021. Collection method: clinical testing. Allele origin: germline. Affected: yes.
Comment: Not observed at significant frequency in large population cohorts (gnomAD); In silico analysis supports that this missense variant does not alter protein structure/function; Has not been previously published as pathogenic or benign to our knowledge

NM_000426.4(LAMA2):c.3871A>G (p.Met1291Val)

Gene: LAMA2 (laminin subunit alpha 2; plus strand). Cytogenetic location: 6q22.33.
Variant type: single nucleotide variant.
Coding change: c.3871A>G on transcript NM_000426.4 (MANE Select); coding-DNA position 3871, A replaced by G.
Protein change: p.Met1291Val; replaces methionine 1291 with valine.
Molecular consequence: missense variant.
Genome position (GRCh38, 1-based): chr6:129,315,897, A>G. VCF-style: chr6-129315897-A-G. GRCh37 (hg19) VCF-style: chr6-129637042-A-G.
Other names: c.3871A>G, p.Met1291Val (NM_001079823.2); short protein forms M1291V.
Identifiers: ClinVar variation 1676372 (VCV001676372.6), dbSNP rs780806324, ClinGen allele CA3993377.